The following is an entry in ClinVar:

ClinVar aggregate classification (germline): Likely benign (1 of 4 stars; one submission).

Submission:

Women's Health and Genetics/Laboratory Corporation of America, LabCorp
Classification: Likely benign. Last evaluated: 2024-12-17. Review status: criteria provided, single submitter. Criteria: LabCorp Variant Classification Summary - May 2015. Collection method: clinical testing. Allele origin: germline.
Comment: Variant summary: DSPP c.3135C>T alters a non-conserved nucleotide resulting in a synonymous change. The variant was absent in 152124 control chromosomes. The available data on variant occurrences in the general population are insufficient to allow any conclusion about variant significance. To our knowledge, no occurrence of c.3135C>T in individuals affected with Dentinogenesis Imperfecta Type 2 and no experimental evidence demonstrating its impact on protein function have been reported. No submitters have cited clinical-significance assessments for this variant to ClinVar. Based on the evidence outlined above, the variant was classified as likely benign.

NM_014208.3(DSPP):c.3135C>T (p.Ser1045=)

Genes: DMP1-AS1 (DMP1 and DSPP antisense RNA 1; minus strand), DSPP (dentin sialophosphoprotein; plus strand). Cytogenetic location: 4q22.1.
Variant type: single nucleotide variant.
Coding change: c.3135C>T on transcript NM_014208.3 (MANE Select); coding-DNA position 3135, C replaced by T.
Protein change: p.Ser1045=; no amino-acid change (serine 1045 retained).
Molecular consequence: synonymous variant.
Genome position (GRCh38, 1-based): chr4:87,615,797, C>T. VCF-style: chr4-87615797-C-T. GRCh37 (hg19) VCF-style: chr4-88536949-C-T.
Identifiers: ClinVar variation 3768562 (VCV003768562.1).